The following is an entry in ClinVar:

ClinVar aggregate classification (germline): Uncertain significance (1 of 4 stars; one submission).

Submission:

Ambry Genetics
Classification: Uncertain significance. Last evaluated: 2023-12-29. Review status: criteria provided, single submitter. Criteria: Ambry Variant Classification Scheme 2023. Collection method: clinical testing. Allele origin: germline.
Comment: The p.R1258S variant (also known as c.3774G>T), located in coding exon 17 of the NPAT gene, results from a G to T substitution at nucleotide position 3774. The arginine at codon 1258 is replaced by serine, an amino acid with dissimilar properties. This amino acid position is conserved. In addition, this alteration is predicted to be tolerated by in silico analysis. Since supporting evidence is limited at this time, the clinical significance of this alteration remains unclear.

NM_002519.3(NPAT):c.3774G>T (p.Arg1258Ser)

Gene: NPAT (nuclear protein, coactivator of histone transcription; minus strand). Cytogenetic location: 11q22.3.
Variant type: single nucleotide variant.
Coding change: c.3774G>T on transcript NM_002519.3 (MANE Select); coding-DNA position 3774, G replaced by T.
Protein change: p.Arg1258Ser; replaces arginine 1258 with serine.
Molecular consequence: missense variant.
Genome position (GRCh38, 1-based): chr11:108,161,312, C>A on the plus strand (G>T on the coding strand, the complement: NPAT is on the minus strand). VCF-style: chr11-108161312-C-A. GRCh37 (hg19) VCF-style: chr11-108032039-C-A.
Other names: c.3795G>T, p.Arg1265Ser (NM_001321307.1); short protein forms R1258S, R1265S.
Identifiers: ClinVar variation 3222602 (VCV003222602.1), dbSNP rs2496694691, ClinGen allele CA382510073.